The following is an entry in ClinVar:

NM_012463.4(ATP6V0A2):c.2056-2dup

Gene: ATP6V0A2 (ATPase H+ transporting V0 subunit a2; plus strand). Cytogenetic location: 12q24.31.
Variant type: Duplication.
Coding change: c.2056-2dup on transcript NM_012463.4 (MANE Select); the canonical splice acceptor site of the intron before coding-DNA position 2056, one base duplicated (A; older notation c.2056-2dupA).
Molecular consequence: splice acceptor variant.
Genome position (GRCh38, 1-based): chr12:123,752,281, A duplicated. VCF-style (leftmost placement, unchanged base first): chr12-123752280-T-TA. GRCh37 (hg19) VCF-style: chr12-124236827-T-TA.
Identifiers: ClinVar variation 2445924 (VCV002445924.1), dbSNP rs1239682814, ClinGen allele CA608104059.
Genomic context (GRCh38, chr12:123,752,280, plus strand): 5'-GTTTGGTTTTGTCACAACCTTGTGGTTTTACAGGCACTGACTCTGTGCTCTTTTGGTTGT[T>TA]AGAGTGGCTACACACTTATAAGGAAAGATAGTGAGGAAGAAGTTTCATTGCTGGGAAGCC-3'

ClinVar aggregate classification (germline): Uncertain significance (1 of 4 stars; one submission).

Allele frequency attached by ClinVar (database versions not stated): TOPMed 0.00003; gnomAD 0.00004.

Submission:

Women's Health and Genetics/Laboratory Corporation of America, LabCorp
Classification: Uncertain significance. Last evaluated: 2023-02-20. Review status: criteria provided, single submitter. Criteria: LabCorp Variant Classification Summary - May 2015. Collection method: clinical testing. Allele origin: germline.
Comment: Variant summary: ATP6V0A2 c.2056-2dupA is located in a canonical splice-site and is predicted to affect mRNA splicing resulting in a significantly altered protein due to either exon skipping, shortening, or inclusion of intronic material. Several computational tools predict a significant impact on normal splicing: Two predict the variant abolishes a 3' acceptor site and one predicts the variant weakens a 3' acceptor site. However, these predictions have yet to be confirmed by functional studies. The variant was absent in 251416 control chromosomes. To our knowledge, no occurrence of c.2056-2dupA in individuals affected with Cutis Laxa - ATP6V0A2 Related and no experimental evidence demonstrating its impact on protein function have been reported. No clinical diagnostic laboratories have submitted clinical-significance assessments for this variant to ClinVar after 2014. Based on the evidence outlined above, the variant was classified as VUS-possibly pathogenic.